The following continues an entry in ClinVar:

NM_022162.3(NOD2):c.3019dup (p.Leu1007fs)

ClinVar aggregate classification (germline): Conflicting classifications of pathogenicity; association. Pathogenic (1); Likely pathogenic (2); Established risk allele (1); Uncertain significance (7); Likely benign (1).

Submissions 8 to 20 of 20:

Mayo Clinic Laboratories, Mayo Clinic
Classification: Likely benign. Last evaluated: 2023-11-30. Review status: criteria provided, single submitter. Criteria: ACMG Guidelines, 2015. Collection method: clinical testing. Allele origin: germline. Observed: 38 variant alleles.

Department of Pathology and Laboratory Medicine, Sinai Health System
Classification: Uncertain significance for Inflammatory bowel disease 1. Last evaluated: 2023-08-22. Review status: criteria provided, single submitter. Criteria: ACMG Guidelines, 2015. Collection method: research. Allele origin: germline.

AiLife Diagnostics
Classification: Pathogenic. Last evaluated: 2022-03-31. Review status: criteria provided, single submitter. Criteria: ACMG Guidelines, 2015. Collection method: clinical testing. Allele origin: germline. Affected: yes. Observed: 11 variant alleles.

Genome Diagnostics Laboratory, The Hospital for Sick Children
Classification: Uncertain significance for Autoinflammatory syndrome. Last evaluated: 2022-03-14. Review status: criteria provided, single submitter. Criteria: ACMG Guidelines, 2015. Collection method: clinical testing. Allele origin: germline. Affected: yes.

Mendelics
Classification: Uncertain significance for Blau syndrome. Last evaluated: 2019-05-28. Review status: criteria provided, single submitter. Criteria: Mendelics Assertion Criteria 2017. Collection method: clinical testing. Allele origin: unknown.

Center for Genomics, Ann and Robert H. Lurie Children's Hospital of Chicago
Classification: Uncertain significance for Blau syndrome; Yao syndrome; Inflammatory bowel disease 1. Review status: criteria provided, single submitter. Criteria: ACMG Guidelines, 2015. Collection method: clinical testing. Allele origin: germline.
Comment: This variant has been reported in the literature as a risk allele and identified as heterozygous and homozygous in several individuals with Crohn's disease as well as control individuals(Hampe 2001 PMID:11425413, Ogura 2001 PMID:11385577, Bonen 2003 PMID:12512038, Girardelli 2018 PMID:29248579). This variant is present in 2.3% (3012/129102) of European alleles, including 92 homozygotes in the Genome Aggregation Database. This variant is present in ClinVar, with at least 1 entry classfying this variant as a risk allele (Variation ID:4691). Evolutionary conservation and computational predictive tools for this variant are unclear. Functional studies suggest a deleterious effect of this variant, reducing levels of NF-kB in response to bacterial lipopolysaccharide and peptidoglycan (Bonen 2003 PMID:12512038). However, further studies are needed to understand its impact. This variant is a duplication of 1 nucleotide and creates a premature stop codon 2 amino acids downstream from this location which results in an absent or abnormal protein. Of note, this variant occurs within the last two exons of this gene; due to its position, it is possible that this protein may escape nonsense mediated decay. Further studies are needed to understand its impact. In summary, data on this variant support that this variant does not act as a true mendelian disorder variant, but may increase risk for Crohn's disease. Therefore, the clinical significance of this variant is classified as a risk allele.

Laboratory of Medical Genetics, National & Kapodistrian University of Athens
Classification: Likely risk allele for Inflammatory bowel disease 1. Last evaluated: 2022-08-22. Review status: no assertion criteria provided. Collection method: clinical testing. Allele origin: germline. Affected: yes. Not counted in ClinVar's aggregate classification.

OMIM
Classification: risk factor for INFLAMMATORY BOWEL DISEASE 1 (CROHN DISEASE), SUSCEPTIBILITY TO. Last evaluated: 2017-01-31. Review status: no assertion criteria provided. Collection method: literature only. Allele origin: not provided. Not counted in ClinVar's aggregate classification.

OMIM
Classification: risk factor for YAO SYNDROME, SUSCEPTIBILITY TO. Last evaluated: 2017-01-31. Review status: no assertion criteria provided. Collection method: literature only. Allele origin: not provided. Not counted in ClinVar's aggregate classification.

Clinical Genetics DNA and cytogenetics Diagnostics Lab, Erasmus MC, Erasmus Medical Center
Classification: Likely benign. Review status: no assertion criteria provided. Collection method: clinical testing. Allele origin: germline. Affected: yes. Study: VKGL Data-share Consensus. Not counted in ClinVar's aggregate classification.

Department of Pathology and Laboratory Medicine, Sinai Health System
Classification: Established risk allele for Crohn’s Disease. Review status: no assertion criteria provided. Collection method: research. Allele origin: unknown. Not counted in ClinVar's aggregate classification.
Comment: The NOD2 c.3019dupC (p.Leu1007fs) variant was identified in population-based control studies and family studies, showing an elevated risk of Crohn’s Disease compared to the general population (PMID: 21548950, 15024686, 18489434, 11425413, 11385576, 11385577, 11910337, 12019468, 15190267, 15571588) (ClinVar entry by Invitae, Accession: SCV000636103.6). A large meta-analysis of 75 case-control studies suggests the odds ratio for Crohn’s disease to be 3.8 for carriers of the variant (95% CI 3.4-4.3) (ID: 19713276) (ClinVar entry by Invitae, Accession: SCV000636103.6). Schnitzler et al. characterized the NOD2 genotype of 1066 patients with Crohn’s Disease, identifying 54 individuals homozygous for the p.Leu1007fs variant, 153 heterozygotes, and 25 compound heterozygotes (freq: 13.4%). The variant was present at a significantly higher frequency in individuals with aggressive disease (15.6%) compared to those with mild disease (8.2%) (p = 2.6 x 10-5). Of the 54 individuals homozygous for the variant, 100% had ileal disease, compared to 82% of NOD2 wild-type carriers (p<0.0001). In combination with active smoking, homozygosity for this variant is associated with 100% risk for developing ileal stenosis requiring Crohn’s Disease-related surgical intervention (Schnitzler_2020_PMID: 32716958). The variant was also identified in dbSNP (ID: rs2066847) and ClinVar (classified as uncertain and likely benign in association with Yao Syndrome by Mendelics and Illumina, respectively, classified as likely benign and an increased risk allele in association with Crohn Disease by Illumina and Invitae, respectively, classified as likely benign in association with Inflammatory Bowel Disease 1; Blau Syndrome by ARUP Laboratories, and benign by University Medical Center Groningen) databases. The variant was identified in control databases in 4,298 of 282,762 chromosomes (115 homozygous) at a frequency of 1.52%, and was observed at the highest frequency in the Ashkenazi Jewish population in 355 of 10,364 chromosomes (freq: 3.43%) (Genome Aggregation Database March 6, 2019, v2.1.1). Functional studies have shown the variant causes reduced cytokine production upon exposure to bacteria, but is capable of inducing T-cell polarization (ID: 18240302), reduced NFkB activity, reduced response to lipopolysaccharide and peptidoglycan (PMID: 12512038, 15198989), and impaired membrane association and signaling response upon stimulation of synthetic immunoreactive peptides (PMID: 26500656, 22684479, 21335489) (ClinVar entry by Invitae, Accession: SCV000636103.6). The c.3019dupC variant occurs within 50 base pairs of the penultimate exon-exon junction. Variants in this region may escape non-sense mediated RNA decay, therefore the clinical significance of this variant cannot be determined with certainty at this time. In summary, based on the above information the clinical significance of this variant cannot be determined with certainty at this time. This variant is classified as a variant of uncertain significance. However, this variant may act as a risk factor for Crohn’s Disease.

Diagnostic Laboratory, Department of Genetics, University Medical Center Groningen
Classification: Benign. Review status: no assertion criteria provided. Collection method: clinical testing. Allele origin: germline. Affected: yes. Study: VKGL Data-share Consensus. Not counted in ClinVar's aggregate classification.

Genome Diagnostics Laboratory, University Medical Center Utrecht
Classification: Likely benign. Review status: no assertion criteria provided. Collection method: clinical testing. Allele origin: germline. Affected: yes. Study: VKGL Data-share Consensus. Not counted in ClinVar's aggregate classification.

Literature cited by the submitters: PubMed 12512038 (cited by 4 submitters); PubMed 11385577 (cited by 4 submitters); PubMed 21548950 (cited by Labcorp Genetics (formerly Invitae), Labcorp and AiLife Diagnostics); PubMed 15024686 (cited by Labcorp Genetics (formerly Invitae), Labcorp); PubMed 18489434 (cited by Labcorp Genetics (formerly Invitae), Labcorp); PubMed 11425413 (cited by Labcorp Genetics (formerly Invitae), Labcorp and AiLife Diagnostics); PubMed 11385576 (cited by Labcorp Genetics (formerly Invitae), Labcorp); PubMed 11910337 (cited by Labcorp Genetics (formerly Invitae), Labcorp and AiLife Diagnostics); PubMed 12019468 (cited by Labcorp Genetics (formerly Invitae), Labcorp); PubMed 15190267 (cited by Labcorp Genetics (formerly Invitae), Labcorp); PubMed 15571588 (cited by Labcorp Genetics (formerly Invitae), Labcorp); PubMed 19713276 (cited by 3 submitters); PubMed 18240302 (cited by Labcorp Genetics (formerly Invitae), Labcorp); PubMed 15198989 (cited by Labcorp Genetics (formerly Invitae), Labcorp); PubMed 26500656 (cited by Labcorp Genetics (formerly Invitae), Labcorp and Variantyx, Inc.); PubMed 22684479 (cited by 3 submitters); PubMed 21335489 (cited by 3 submitters); PubMed 12673278 (cited by Variantyx, Inc. and AiLife Diagnostics); PubMed 16010583 (cited by Variantyx, Inc. and AiLife Diagnostics); PubMed 28422189 (cited by AiLife Diagnostics); PubMed 19397946 (cited by AiLife Diagnostics); PubMed 15002819 (cited by AiLife Diagnostics); PubMed 19641059 (cited by AiLife Diagnostics); PubMed 17301648 (cited by AiLife Diagnostics); PubMed 26167078 (cited by AiLife Diagnostics); PubMed 21951874 (cited by AiLife Diagnostics); PubMed 21745302 (cited by AiLife Diagnostics); PubMed 19185283 (cited by AiLife Diagnostics); PubMed 30166421 (cited by AiLife Diagnostics); PubMed 22543157 (cited by AiLife Diagnostics); PubMed 32597225 (cited by AiLife Diagnostics); PubMed 16669960 (cited by AiLife Diagnostics); PubMed 29867916 (cited by AiLife Diagnostics); PubMed 28750667 (cited by AiLife Diagnostics); PubMed 24047397 (cited by AiLife Diagnostics); PubMed 21565239 (cited by AiLife Diagnostics); PubMed 29248579 (cited by AiLife Diagnostics); PubMed 23173613 (cited by AiLife Diagnostics); PubMed 30553995 (cited by AiLife Diagnostics); PubMed 28658209 (cited by AiLife Diagnostics); PubMed 29321258 (cited by AiLife Diagnostics); PubMed 24345423 (cited by AiLife Diagnostics); PubMed 23128233 (cited by AiLife Diagnostics); PubMed 12704363 (cited by AiLife Diagnostics); PubMed 22440928 (cited by AiLife Diagnostics); PubMed 19748964 (cited by AiLife Diagnostics); PubMed 23633568 (cited by AiLife Diagnostics); PubMed 20713205 (cited by AiLife Diagnostics); PubMed 27373512 (cited by AiLife Diagnostics); PubMed 23709157 (cited by AiLife Diagnostics); PubMed 12650796 (cited by AiLife Diagnostics); PubMed 24586700 (cited by AiLife Diagnostics); PubMed 22344438 (cited by AiLife Diagnostics); PubMed 19103559 (cited by AiLife Diagnostics); PubMed 16416181 (cited by AiLife Diagnostics); PubMed 19184348 (cited by AiLife Diagnostics); PubMed 19184350 (cited by AiLife Diagnostics); PubMed 27306066 (cited by AiLife Diagnostics); PubMed 29178652 (cited by AiLife Diagnostics); PubMed 22275320 (cited by AiLife Diagnostics); PubMed 19349988 (cited by AiLife Diagnostics); PubMed 28008999 (cited by AiLife Diagnostics); PubMed 29446656 (cited by AiLife Diagnostics); PubMed 18942754 (cited by AiLife Diagnostics); PubMed 20332463 (cited by AiLife Diagnostics); PubMed 21983784 (cited by AiLife Diagnostics); PubMed 29795570 (cited by AiLife Diagnostics); PubMed 26042516 (cited by AiLife Diagnostics); PubMed 24597572 (cited by AiLife Diagnostics); PubMed 30167848 (cited by AiLife Diagnostics); PubMed 21994160 (cited by AiLife Diagnostics); PubMed 32716958 (cited by AiLife Diagnostics); PubMed 25365249 (cited by AiLife Diagnostics); PubMed 20047977 (cited by AiLife Diagnostics); PubMed 21460759 (cited by AiLife Diagnostics); PubMed 30552907 (cited by AiLife Diagnostics); PubMed 17489054 (cited by AiLife Diagnostics); PubMed 23615072 (cited by AiLife Diagnostics); PubMed 22939045 (cited by AiLife Diagnostics).